The following is an entry in ClinVar:

ClinVar aggregate classification (germline): Uncertain significance (1 of 4 stars; one submission).

Submission:

GeneDx
Classification: Uncertain significance. Last evaluated: 2024-05-15. Review status: criteria provided, single submitter. Criteria: GeneDx Variant Classification Process June 2021. Collection method: clinical testing. Allele origin: germline. Affected: yes.
Comment: Not observed at significant frequency in large population cohorts (gnomAD); Nonsense variant predicted to result in protein truncation or nonsense mediated decay in a gene or region of a gene for which loss of function is not a well-established mechanism of disease; Has not been previously published as pathogenic or benign to our knowledge

NM_002249.6(KCNN3):c.1146C>A (p.Tyr382Ter)

Gene: KCNN3 (potassium calcium-activated channel subfamily N member 3; minus strand). Cytogenetic location: 1q21.3.
Variant type: single nucleotide variant.
Coding change: c.1146C>A on transcript NM_002249.6 (MANE Select); coding-DNA position 1146, C replaced by A.
Protein change: p.Tyr382Ter; replaces tyrosine 382 with a stop codon.
Molecular consequence: nonsense.
Genome position (GRCh38, 1-based): chr1:154,772,277, G>T on the plus strand (C>A on the coding strand, the complement: KCNN3 is on the minus strand). VCF-style: chr1-154772277-G-T. GRCh37 (hg19) VCF-style: chr1-154744753-G-T.
Other names: c.1146C>A, p.Tyr382Ter (NM_001204087.2); c.207C>A, p.Tyr69Ter (NM_001365837.1, NM_001365838.1); c.231C>A, p.Tyr77Ter (NM_170782.3); short protein forms Y382*, Y69*, Y77*.
Identifiers: ClinVar variation 3377894 (VCV003377894.1).